The following is an entry in ClinVar:

ClinVar aggregate classification (germline): Uncertain significance (1 of 4 stars; one submission).

Conditions:
Catecholaminergic polymorphic ventricular tachycardia 1. Also called: RYR2-Related Catecholaminergic Polymorphic Ventricular Tachycardia; VENTRICULAR TACHYCARDIA, CATECHOLAMINERGIC POLYMORPHIC, 1, WITH OR WITHOUT ATRIAL DYSFUNCTION AND/OR DILATED CARDIOMYOPATHY; VENTRICULAR TACHYCARDIA, STRESS-INDUCED POLYMORPHIC 1. Identifiers: Orphanet 3286, MedGen C1631597, MONDO:0011484, OMIM 604772.

Submission:

Labcorp Genetics (formerly Invitae), Labcorp
Classification: Uncertain significance for Catecholaminergic polymorphic ventricular tachycardia 1. Last evaluated: 2022-02-04. Review status: criteria provided, single submitter. Criteria: Invitae Variant Classification Sherloc (09022015). Collection method: clinical testing. Allele origin: germline.
Comment: In summary, the available evidence is currently insufficient to determine the role of this variant in disease. Therefore, it has been classified as a Variant of Uncertain Significance. This variant has not been reported in the literature in individuals affected with RYR2-related conditions. This variant is not present in population databases (gnomAD no frequency). This sequence change creates a premature translational stop signal (p.Met3215Trpfs*7) in the RYR2 gene. It is expected to result in an absent or disrupted protein product. However, the current clinical and genetic evidence is not sufficient to establish whether loss-of-function variants in RYR2 cause disease.

NM_001035.3(RYR2):c.9642_9643delinsT (p.Met3215fs)

Gene: RYR2 (ryanodine receptor 2; plus strand). Cytogenetic location: 1q43.
Variant type: Indel.
Coding change: c.9642_9643delinsT on transcript NM_001035.3 (MANE Select); coding-DNA positions 9642 to 9643, CA replaced by T.
Protein change: p.Met3215fs; shifts the reading frame from methionine 3215.
Molecular consequence: frameshift variant.
Genome position (GRCh38, 1-based): chr1:237,707,010-237,707,011, CA replaced by T. VCF-style: chr1-237707010-CA-T. GRCh37 (hg19) VCF-style: chr1-237870310-CA-T.
Other names: c.9642_9643delinsT, p.Met3215fs (LRG_402t1); short protein forms M3215fs.
Identifiers: ClinVar variation 569714 (VCV000569714.7), dbSNP rs1558258790, ClinGen allele CA891843187.
Genomic context (GRCh38, chr1:237,707,010, plus strand): 5'-TCTCAGTTTGCCAACTAATGTGGAAGATGTTTGTCCAAACATACCGTCTTTGGAGAAACT[CA>T]TGGAAGAAATCGTGGAATTAGCCGAGTCCGGCATTCGCTACACTCAAATGCCACATGTCA-3'